The following is an entry in ClinVar:

NM_020949.3(SLC7A14):c.2221G>A (p.Gly741Ser)

Gene: SLC7A14 (solute carrier family 7 member 14; minus strand). Cytogenetic location: 3q26.2.
Variant type: single nucleotide variant.
Coding change: c.2221G>A on transcript NM_020949.3 (MANE Select); coding-DNA position 2221, G replaced by A.
Protein change: p.Gly741Ser; replaces glycine 741 with serine.
Molecular consequence: missense variant.
Genome position (GRCh38, 1-based): chr3:170,467,150, C>T on the plus strand (G>A on the coding strand, the complement: SLC7A14 is on the minus strand). VCF-style: chr3-170467150-C-T. GRCh37 (hg19) VCF-style: chr3-170184938-C-T.
Other names: short protein forms G741S.
Identifiers: ClinVar variation 1423081 (VCV001423081.7), dbSNP rs773800039, ClinGen allele CA2701479.

ClinVar aggregate classification (germline): Uncertain significance. Review status: criteria provided, multiple submitters, no conflicts (2 of 4 stars). 2 submissions from 2 submitters: Uncertain significance (2). Last evaluated 2024-11-27.

Allele frequency attached by ClinVar (database versions not stated): ExAC 0.00002; gnomAD exomes 0.00002 and 0.00003; TOPMed 0.00002; gnomAD 0.00004.
gnomAD v4.1: 41 of 1,614,150 alleles (0.0025%); highest among the groups gnomAD compares: African/African-American, 0.008%; no homozygotes.

Submissions (2):

Labcorp Genetics (formerly Invitae), Labcorp
Classification: Uncertain significance. Last evaluated: 2024-11-27. Review status: criteria provided, single submitter. Criteria: Invitae Variant Classification Sherloc (09022015). Collection method: clinical testing. Allele origin: germline.
Comment: This sequence change replaces glycine, which is neutral and non-polar, with serine, which is neutral and polar, at codon 741 of the SLC7A14 protein (p.Gly741Ser). This variant is present in population databases (rs773800039, gnomAD 0.03%). This variant has not been reported in the literature in individuals affected with SLC7A14-related conditions. ClinVar contains an entry for this variant (Variation ID: 1423081). An algorithm developed to predict the effect of missense changes on protein structure and function outputs the following: PolyPhen-2: "Benign". The serine amino acid residue is found in multiple mammalian species, which suggests that this missense change does not adversely affect protein function. In summary, the available evidence is currently insufficient to determine the role of this variant in disease. Therefore, it has been classified as a Variant of Uncertain Significance.

Blueprint Genetics
Classification: Uncertain significance. Last evaluated: 2024-11-11. Review status: criteria provided, single submitter. Criteria: ACMG Guidelines, 2015. Collection method: clinical testing. Allele origin: germline.